The following is an entry in ClinVar:

ClinVar aggregate classification (germline): Uncertain significance. Review status: criteria provided, multiple submitters, no conflicts (2 of 4 stars). 2 submissions from 2 submitters: Uncertain significance (2). Last evaluated 2025-12-17.

Allele frequency attached by ClinVar (database versions not stated): gnomAD exomes below 0.00001; ExAC 0.00001; TOPMed 0.00003; gnomAD 0.00005 and 0.00006.
gnomAD v4.1: 13 of 1,607,846 alleles (0.00081%); highest among the groups gnomAD compares: African/African-American, 0.017%; no homozygotes.

Submissions (2):

Labcorp Genetics (formerly Invitae), Labcorp
Classification: Uncertain significance. Last evaluated: 2025-12-17. Review status: criteria provided, single submitter. Criteria: Invitae Variant Classification Sherloc (09022015). Collection method: clinical testing. Allele origin: germline.
Comment: This sequence change replaces serine, which is neutral and polar, with cysteine, which is neutral and slightly polar, at codon 16 of the ASRGL1 protein (p.Ser16Cys). This variant is present in population databases (rs752659253, gnomAD 0.01%). This variant has not been reported in the literature in individuals affected with ASRGL1-related conditions. ClinVar contains an entry for this variant (Variation ID: 1503938). An algorithm developed to predict the effect of missense changes on protein structure and function (PolyPhen-2) suggests that this variant is likely to be disruptive. In summary, the available evidence is currently insufficient to determine the role of this variant in disease. Therefore, it has been classified as a Variant of Uncertain Significance.

Ambry Genetics
Classification: Uncertain significance. Last evaluated: 2025-12-08. Review status: criteria provided, single submitter. Criteria: Ambry Variant Classification Scheme 2023. Collection method: clinical testing. Allele origin: germline.

NM_001083926.2(ASRGL1):c.47C>G (p.Ser16Cys)

Gene: ASRGL1 (asparaginase and isoaspartyl peptidase 1; plus strand). Cytogenetic location: 11q12.3.
Variant type: single nucleotide variant.
Coding change: c.47C>G on transcript NM_001083926.2 (MANE Select); coding-DNA position 47, C replaced by G.
Protein change: p.Ser16Cys; replaces serine 16 with cysteine.
Molecular consequence: missense variant.
Genome position (GRCh38, 1-based): chr11:62,338,024, C>G. VCF-style: chr11-62338024-C-G. GRCh37 (hg19) VCF-style: chr11-62105496-C-G.
Other names: c.47C>G (NM_001083926.1); c.47C>G, p.Ser16Cys (NM_025080.4); short protein forms S16C.
Identifiers: ClinVar variation 1503938 (VCV001503938.9), dbSNP rs752659253, ClinGen allele CA6043077.